The following is an entry in ClinVar:

ClinVar aggregate classification (germline): Uncertain significance (1 of 4 stars; one submission).

Conditions:
RASopathy. Also called: Noonan spectrum disorder; rasopathies. Identifiers: Orphanet 536391, MedGen C5555857, MONDO:0021060.

Allele frequency attached by ClinVar (database versions not stated): gnomAD exomes below 0.00001.
gnomAD v4.1: 3 of 1,551,150 alleles (0.00019%); highest among the groups gnomAD compares: South Asian, 0.0024%; no homozygotes.

Submission:

Labcorp Genetics (formerly Invitae), Labcorp
Classification: Uncertain significance for RASopathy. Last evaluated: 2022-11-30. Review status: criteria provided, single submitter. Criteria: Invitae Variant Classification Sherloc (09022015). Collection method: clinical testing. Allele origin: germline.
Comment: This variant has not been reported in the literature in individuals affected with MAP2K2-related conditions. In summary, the available evidence is currently insufficient to determine the role of this variant in disease. Therefore, it has been classified as a Variant of Uncertain Significance. Advanced modeling of protein sequence and biophysical properties (such as structural, functional, and spatial information, amino acid conservation, physicochemical variation, residue mobility, and thermodynamic stability) performed at Invitae indicates that this missense variant is not expected to disrupt MAP2K2 protein function. This variant is not present in population databases (gnomAD no frequency). This sequence change replaces glutamic acid, which is acidic and polar, with glycine, which is neutral and non-polar, at codon 344 of the MAP2K2 protein (p.Glu344Gly).

NM_030662.4(MAP2K2):c.1031A>G (p.Glu344Gly)

Gene: MAP2K2 (mitogen-activated protein kinase kinase 2; minus strand). Cytogenetic location: 19p13.3.
Variant type: single nucleotide variant.
Coding change: c.1031A>G on transcript NM_030662.4 (MANE Select); coding-DNA position 1031, A replaced by G.
Protein change: p.Glu344Gly; replaces glutamic acid 344 with glycine.
Molecular consequence: missense variant.
Genome position (GRCh38, 1-based): chr19:4,095,403, T>C on the plus strand (A>G on the coding strand, the complement: MAP2K2 is on the minus strand). VCF-style: chr19-4095403-T-C. GRCh37 (hg19) VCF-style: chr19-4095401-T-C.
Other names: short protein forms E344G.
Identifiers: ClinVar variation 2905801 (VCV002905801.3), dbSNP rs963596101, ClinGen allele CA304447534.
Genomic context (GRCh38, chr19:4,095,403, plus strand): 5'-CATCTGGGTCCCGGCCAGGGGTGTGGGCAGCCCGGCTCCACCTACCATTTATTGACAAAC[T>C]CCTGGAAGTCGGGGGTGAACACACCGTTGGGCAGCTTAGGAGGTGGCTGTGGAGGAGAAC-3'
Protein context (NP_109587.1, residues 334-354): PNGVFTPDFQ[Glu344Gly]FVNKCLIKNP